The following is an entry in ClinVar:

ClinVar aggregate classification (germline): Uncertain significance (1 of 4 stars; one submission).

Allele frequency attached by ClinVar (database versions not stated): gnomAD exomes 0.00001; gnomAD 0.00002; ExAC 0.00003.
gnomAD v4.1: 22 of 1,613,778 alleles (0.0014%); highest among the groups gnomAD compares: Admixed American, 0.0083%; no homozygotes.

Submission:

Labcorp Genetics (formerly Invitae), Labcorp
Classification: Uncertain significance. Last evaluated: 2022-06-08. Review status: criteria provided, single submitter. Criteria: Invitae Variant Classification Sherloc (09022015). Collection method: clinical testing. Allele origin: germline.
Comment: This sequence change replaces alanine, which is neutral and non-polar, with threonine, which is neutral and polar, at codon 1842 of the CEP250 protein (p.Ala1842Thr). In summary, the available evidence is currently insufficient to determine the role of this variant in disease. Therefore, it has been classified as a Variant of Uncertain Significance. Algorithms developed to predict the effect of missense changes on protein structure and function output the following: SIFT: "Not Available"; PolyPhen-2: "Benign"; Align-GVGD: "Not Available". The threonine amino acid residue is found in multiple mammalian species, which suggests that this missense change does not adversely affect protein function. This variant has not been reported in the literature in individuals affected with CEP250-related conditions. This variant is present in population databases (rs747287126, gnomAD 0.02%).

NM_007186.6(CEP250):c.5524G>A (p.Ala1842Thr)

Gene: CEP250 (centrosomal protein 250; plus strand). Cytogenetic location: 20q11.22.
Variant type: single nucleotide variant.
Coding change: c.5524G>A on transcript NM_007186.6 (MANE Select); coding-DNA position 5524, G replaced by A.
Protein change: p.Ala1842Thr; replaces alanine 1842 with threonine.
Molecular consequence: missense variant.
Genome position (GRCh38, 1-based): chr20:35,503,893, G>A. VCF-style: chr20-35503893-G-A. GRCh37 (hg19) VCF-style: chr20-34091721-G-A.
Other names: c.3628G>A, p.Ala1210Thr (NM_001318219.1); short protein forms A1842T, A1210T.
Identifiers: ClinVar variation 1905246 (VCV001905246.5), dbSNP rs747287126, ClinGen allele CA9833884.